The following is an entry in ClinVar:

ClinVar aggregate classification (germline): Conflicting classifications of pathogenicity. Review status: criteria provided, conflicting classifications (1 of 4 stars). 3 submissions from 3 submitters: Likely pathogenic (1); Uncertain significance (2). Last evaluated 2025-10-24.

Conditions:
Smith-Magenis syndrome (SMS). Also called: CHROMOSOME 17p11.2 DELETION SYNDROME. Identifiers: Orphanet 819, MedGen C0795864, MONDO:0008434, OMIM 182290.
RAI1-related disorder. Also called: RAI1-related condition.

Allele frequency attached by ClinVar (database versions not stated): gnomAD exomes below 0.00001; TOPMed below 0.00001.
gnomAD v4.1: 1 of 1,613,654 alleles (0.000062%); highest among the groups gnomAD compares: Non-Finnish European, 0.000085%; no homozygotes.

Submissions (3):

PreventionGenetics, part of Exact Sciences
Classification: Uncertain significance for RAI1-related condition. Last evaluated: 2025-10-24. Review status: criteria provided, single submitter. Criteria: ACMG Guidelines, 2015. Collection method: clinical testing. Allele origin: germline.
Comment: The RAI1 c.3997G>A variant is predicted to result in the amino acid substitution p.Val1333Met. To our knowledge, this variant has not been reported in the literature or in a large population database (gnomAD), indicating this variant is rare. At this time, the clinical significance of this variant is uncertain due to the absence of conclusive functional and genetic evidence.

Labcorp Genetics (formerly Invitae), Labcorp
Classification: Uncertain significance. Last evaluated: 2025-01-14. Review status: criteria provided, single submitter. Criteria: Invitae Variant Classification Sherloc (09022015). Collection method: clinical testing. Allele origin: germline.
Comment: This sequence change replaces valine, which is neutral and non-polar, with methionine, which is neutral and non-polar, at codon 1333 of the RAI1 protein (p.Val1333Met). This variant is not present in population databases (gnomAD no frequency). This variant has not been reported in the literature in individuals affected with RAI1-related conditions. ClinVar contains an entry for this variant (Variation ID: 2012909). Invitae Evidence Modeling of protein sequence and biophysical properties (such as structural, functional, and spatial information, amino acid conservation, physicochemical variation, residue mobility, and thermodynamic stability) indicates that this missense variant is expected to disrupt RAI1 protein function with a positive predictive value of 80%. In summary, the available evidence is currently insufficient to determine the role of this variant in disease. Therefore, it has been classified as a Variant of Uncertain Significance.

Greenwood Genetic Center Diagnostic Laboratories, Greenwood Genetic Center
Classification: Likely pathogenic for Smith-Magenis syndrome. Last evaluated: 2024-05-06. Review status: criteria provided, single submitter. Criteria: ACMG Guidelines, 2015. Collection method: clinical testing. Allele origin: germline. Affected: yes.
Comment: PS2, PM2

NM_030665.4(RAI1):c.3997G>A (p.Val1333Met)

Gene: RAI1 (retinoic acid induced 1; plus strand). Cytogenetic location: 17p11.2.
Variant type: single nucleotide variant.
Coding change: c.3997G>A on transcript NM_030665.4 (MANE Select); coding-DNA position 3997, G replaced by A.
Protein change: p.Val1333Met; replaces valine 1333 with methionine.
Molecular consequence: missense variant.
Genome position (GRCh38, 1-based): chr17:17,796,945, G>A. VCF-style: chr17-17796945-G-A. GRCh37 (hg19) VCF-style: chr17-17700259-G-A.
Other names: c.3997G>A (NM_030665.3); short protein forms V1333M.
Identifiers: ClinVar variation 2012909 (VCV002012909.6), dbSNP rs1327164444, ClinGen allele CA398555502.